The following is an entry in ClinVar:

NM_015915.5(ATL1):c.1138C>A (p.Pro380Thr)

Gene: ATL1 (atlastin GTPase 1; plus strand). Cytogenetic location: 14q22.1.
Variant type: single nucleotide variant.
Coding change: c.1138C>A on transcript NM_015915.5 (MANE Select); coding-DNA position 1138, C replaced by A.
Protein change: p.Pro380Thr; replaces proline 380 with threonine.
Molecular consequence: missense variant.
Genome position (GRCh38, 1-based): chr14:50,628,049, C>A. VCF-style: chr14-50628049-C-A. GRCh37 (hg19) VCF-style: chr14-51094767-C-A.
Other names: c.1138C>A, p.Pro380Thr (NM_001127713.1, NM_181598.4); short protein forms P380T.
Identifiers: ClinVar variation 3719632 (VCV003719632.2).

ClinVar aggregate classification (germline): Uncertain significance (1 of 4 stars; one submission).

Conditions:
Hereditary spastic paraplegia 3A (SPG3A). Also called: Spastic paraplegia 3A, autosomal dominant; SPASTIC PARAPLEGIA 3, AUTOSOMAL DOMINANT; FAMILIAL SPASTIC PARAPLEGIA, AUTOSOMAL DOMINANT, 1; SPG3; STRUMPELL DISEASE; Spastic Paraplegia 3A. Identifiers: Orphanet 100984, MedGen C2931355, MONDO:0008437, OMIM 182600.

Submission:

Labcorp Genetics (formerly Invitae), Labcorp
Classification: Uncertain significance for Hereditary spastic paraplegia 3A. Last evaluated: 2024-10-16. Review status: criteria provided, single submitter. Criteria: Invitae Variant Classification Sherloc (09022015). Collection method: clinical testing. Allele origin: germline.
Comment: This sequence change replaces proline, which is neutral and non-polar, with threonine, which is neutral and polar, at codon 380 of the ATL1 protein (p.Pro380Thr). This variant is not present in population databases (gnomAD no frequency). This variant has not been reported in the literature in individuals affected with ATL1-related conditions. Invitae Evidence Modeling of protein sequence and biophysical properties (such as structural, functional, and spatial information, amino acid conservation, physicochemical variation, residue mobility, and thermodynamic stability) has been performed for this missense variant. However, the output from this modeling did not meet the statistical confidence thresholds required to predict the impact of this variant on ATL1 protein function. In summary, the available evidence is currently insufficient to determine the role of this variant in disease. Therefore, it has been classified as a Variant of Uncertain Significance.